The following is an entry in ClinVar:

NM_021620.4(PRDM13):c.124G>C (p.Glu42Gln)

Gene: PRDM13 (PR/SET domain 13; plus strand). Cytogenetic location: 6q16.2.
Variant type: single nucleotide variant.
Coding change: c.124G>C on transcript NM_021620.4 (MANE Select); coding-DNA position 124, G replaced by C.
Protein change: p.Glu42Gln; replaces glutamic acid 42 with glutamine.
Molecular consequence: missense variant.
Genome position (GRCh38, 1-based): chr6:99,607,158, G>C. VCF-style: chr6-99607158-G-C. GRCh37 (hg19) VCF-style: chr6-100055034-G-C.
Other names: short protein forms E42Q.
Identifiers: ClinVar variation 3700502 (VCV003700502.3).
Genomic context (GRCh38, chr6:99,607,158, plus strand): 5'-TTGCGCCTCGGACCGGTGCCTGGTACCTTCAAGCTGGGCAAGTACCTGTCAGACCGCAGG[G>C]AGCCCGGGCCTAAGAAAAAGGTATTGACCATTCAGACCTCTGCCCACTGCCATTCGCCTC-3'
Protein context (NP_067633.2, residues 32-52): KLGKYLSDRR[Glu42Gln]PGPKKKVRMV

ClinVar aggregate classification (germline): Uncertain significance. Review status: criteria provided, multiple submitters, no conflicts (2 of 4 stars). 2 submissions from 2 submitters: Uncertain significance (2). Last evaluated 2024-07-25.

Submissions (2):

Labcorp Genetics (formerly Invitae), Labcorp
Classification: Uncertain significance. Last evaluated: 2024-07-25. Review status: criteria provided, single submitter. Criteria: Invitae Variant Classification Sherloc (09022015). Collection method: clinical testing. Allele origin: germline.
Comment: This sequence change replaces glutamic acid, which is acidic and polar, with glutamine, which is neutral and polar, at codon 42 of the PRDM13 protein (p.Glu42Gln). This variant is present in population databases (no rsID available, gnomAD 0.003%). This variant has not been reported in the literature in individuals affected with PRDM13-related conditions. An algorithm developed to predict the effect of missense changes on protein structure and function (PolyPhen-2) suggests that this variant is likely to be disruptive. In summary, the available evidence is currently insufficient to determine the role of this variant in disease. Therefore, it has been classified as a Variant of Uncertain Significance.

Blueprint Genetics
Classification: Uncertain significance. Last evaluated: 2023-06-01. Review status: criteria provided, single submitter. Criteria: ACMG Guidelines, 2015. Collection method: clinical testing. Allele origin: germline.